The following is an entry in ClinVar:

NM_001943.5(DSG2):c.46-11T>C

Gene: DSG2 (desmoglein 2; plus strand). Cytogenetic location: 18q12.1.
Variant type: single nucleotide variant.
Coding change: c.46-11T>C on transcript NM_001943.5 (MANE Select); 11 bases into the intron before coding-DNA position 46, T replaced by C.
Molecular consequence: intron variant.
Genome position (GRCh38, 1-based): chr18:31,518,228, T>C. VCF-style: chr18-31518228-T-C. GRCh37 (hg19) VCF-style: chr18-29098191-T-C.
Other names: c.46-11T>C (LRG_397t1).
Identifiers: ClinVar variation 388617 (VCV000388617.8), dbSNP rs757891590, ClinGen allele CA048906.

ClinVar aggregate classification (germline): Likely benign. Review status: criteria provided, multiple submitters, no conflicts (2 of 4 stars). 2 submissions from 2 submitters: Likely benign (2). Last evaluated 2021-11-15.

Conditions:
Arrhythmogenic right ventricular dysplasia 10. Also called: Arrhythmogenic right ventricular dysplasia/cardiomyopathy, type 10; Arrhythmogenic Right Ventricular Dysplasia/Cardiomyopathy10; ARRHYTHMOGENIC RIGHT VENTRICULAR DYSPLASIA, FAMILIAL, 10. Identifiers: MedGen C1857777, MONDO:0012434, OMIM 610193.

Allele frequency attached by ClinVar (database versions not stated): ExAC 0.00001; gnomAD exomes 0.00001; TOPMed 0.00001.
gnomAD v4.1: 7 of 1,609,992 alleles (0.00043%); highest among the groups gnomAD compares: Admixed American, 0.005%; 1 homozygote.

Submissions (2):

Labcorp Genetics (formerly Invitae), Labcorp
Classification: Likely benign for Arrhythmogenic right ventricular dysplasia 10. Last evaluated: 2021-11-15. Review status: criteria provided, single submitter. Criteria: Invitae Variant Classification Sherloc (09022015). Collection method: clinical testing. Allele origin: germline.

GeneDx
Classification: Likely benign. Last evaluated: 2016-08-12. Review status: criteria provided, single submitter. Criteria: GeneDx Variant Classification (06012015). Collection method: clinical testing. Allele origin: germline. Affected: yes.
Comment: This variant is considered likely benign or benign based on one or more of the following criteria: it is a conservative change, it occurs at a poorly conserved position in the protein, it is predicted to be benign by multiple in silico algorithms, and/or has population frequency not consistent with disease.